The following is an entry in ClinVar:

ClinVar aggregate classification (germline): Likely benign (1 of 4 stars; one submission).

Allele frequency attached by ClinVar (database versions not stated): ExAC 0.00001; gnomAD exomes 0.00001; gnomAD 0.00003; TOPMed 0.00003.
gnomAD v4.1: 18 of 1,604,304 alleles (0.0011%); highest among the groups gnomAD compares: African/African-American, 0.0094%; no homozygotes.

Submission:

CeGaT Center for Human Genetics Tuebingen
Classification: Likely benign. Last evaluated: 2022-09-01. Review status: criteria provided, single submitter. Criteria: CeGaT Center For Human Genetics Tuebingen Variant Classification Criteria Version 2. Collection method: clinical testing. Allele origin: germline. Affected: yes. Observed: 1 variant allele.
Comment: MUC5B: BP4, BP7

NM_002458.3(MUC5B):c.2463G>A (p.Thr821=)

Gene: MUC5B (mucin 5B, oligomeric mucus/gel-forming; plus strand). Cytogenetic location: 11p15.5.
Variant type: single nucleotide variant.
Coding change: c.2463G>A on transcript NM_002458.3 (MANE Select); coding-DNA position 2463, G replaced by A.
Protein change: p.Thr821=; no amino-acid change (threonine 821 retained).
Molecular consequence: synonymous variant.
Genome position (GRCh38, 1-based): chr11:1,234,290, G>A. VCF-style: chr11-1234290-G-A. GRCh37 (hg19) VCF-style: chr11-1255520-G-A.
Identifiers: ClinVar variation 2641187 (VCV002641187.24), dbSNP rs760381986, ClinGen allele CA5804708.